The following is an entry in ClinVar:

ClinVar aggregate classification (germline): Uncertain significance (1 of 4 stars; one submission).

Submission:

Women's Health and Genetics/Laboratory Corporation of America, LabCorp
Classification: Uncertain significance. Last evaluated: 2024-03-18. Review status: criteria provided, single submitter. Criteria: LabCorp Variant Classification Summary - May 2015. Collection method: clinical testing. Allele origin: germline.
Comment: Variant summary: TRRAP c.7072A>C (p.Lys2358Gln) results in a conservative amino acid change in the encoded protein sequence. Three of five in-silico tools predict a damaging effect of the variant on protein function. The variant was absent in 251386 control chromosomes. The available data on variant occurrences in the general population are insufficient to allow any conclusion about variant significance. To our knowledge, no occurrence of c.7072A>C in individuals affected with Developmental Delay With Or Without Dysmorphic Facies And Autism and no experimental evidence demonstrating its impact on protein function have been reported. No submitters have cited clinical-significance assessments for this variant to ClinVar. Based on the evidence outlined above, the variant was classified as uncertain significance.

NM_001375524.1(TRRAP):c.7147A>C (p.Lys2383Gln)

Gene: TRRAP (transformation/transcription domain associated protein; plus strand). Cytogenetic location: 7q22.1.
Variant type: single nucleotide variant.
Coding change: c.7147A>C on transcript NM_001375524.1 (MANE Select); coding-DNA position 7147, A replaced by C.
Protein change: p.Lys2383Gln; replaces lysine 2383 with glutamine.
Molecular consequence: missense variant.
Genome position (GRCh38, 1-based): chr7:98,965,866, A>C. VCF-style: chr7-98965866-A-C. GRCh37 (hg19) VCF-style: chr7-98563489-A-C.
Other names: c.7126A>C, p.Lys2376Gln (NM_001244580.2); c.7072A>C, p.Lys2358Gln (NM_003496.4); short protein forms K2358Q, K2376Q, K2383Q.
Identifiers: ClinVar variation 3233901 (VCV003233901.2), dbSNP rs2484910963, ClinGen allele CA368291049.